The following is an entry in ClinVar:

ClinVar aggregate classification (germline): Conflicting classifications of pathogenicity. Review status: criteria provided, conflicting classifications (1 of 4 stars). 8 submissions from 8 submitters: Likely pathogenic (1); Uncertain significance (5); Benign (1). 1 of the submissions does not count toward it. Last evaluated 2025-12-29.

Conditions:
Dystrophin deficiency.
Duchenne muscular dystrophy (DMD). Also called: MUSCULAR DYSTROPHY, PSEUDOHYPERTROPHIC PROGRESSIVE, DUCHENNE TYPE; Duchenne Muscular Dystrophy (DMD). Identifiers: Orphanet 98896, MedGen C0013264, MONDO:0010679, OMIM 310200.
Becker muscular dystrophy (BMD). Also called: MUSCULAR DYSTROPHY, PSEUDOHYPERTROPHIC PROGRESSIVE, BECKER TYPE; Becker Muscular Dystrophy (BMD). Identifiers: Orphanet 98895, MedGen C0917713, MONDO:0010311, OMIM 300376.
Cardiomyopathy (CMYO). Also called: Cardiomyopathies. Identifiers: Orphanet 167848, MedGen C0878544, MONDO:0004994, HP:0001638. Inheritance: Various modes of inheritance.
DMD-related disorder. Also called: DMD-related condition.
Cardiovascular phenotype. Identifiers: MedGen CN230736.
Dilated cardiomyopathy 3B (CMD3B). Also called: CMD3B: DMD-Related Dilated Cardiomyopathy; CARDIOMYOPATHY, DILATED, X-LINKED; DMD-Associated Dilated Cardiomyopathy. Identifiers: Orphanet 154, MedGen C3668940, MONDO:0010542, OMIM 302045.

Allele frequency attached by ClinVar (database versions not stated): gnomAD exomes below 0.00001; TOPMed below 0.00001.
gnomAD v4.1: 1 of 1,211,020 alleles (0.000083%); highest among the groups gnomAD compares: Non-Finnish European, 0.00011%; no homozygotes.

Submissions (8):

Labcorp Genetics (formerly Invitae), Labcorp
Classification: Benign for Duchenne muscular dystrophy. Last evaluated: 2025-12-29. Review status: criteria provided, single submitter. Criteria: Invitae Variant Classification Sherloc (09022015). Collection method: clinical testing. Allele origin: germline.

Molecular Diagnostic Laboratory for Inherited Cardiovascular Disease, Montreal Heart Institute
Classification: Uncertain significance for Cardiovascular phenotype. Last evaluated: 2025-04-09. Review status: criteria provided, single submitter. Criteria: ACMG Guidelines, 2015. Collection method: clinical testing. Allele origin: germline. Affected: yes.
Comment: PM2, PP3, BP1

PreventionGenetics, part of Exact Sciences
Classification: Uncertain significance for DMD-related condition. Last evaluated: 2024-12-18. Review status: criteria provided, single submitter. Criteria: ACMG Guidelines, 2015. Collection method: clinical testing. Allele origin: germline.
Comment: The DMD c.9338G>A variant is predicted to result in the amino acid substitution p.Arg3113Gln. This variant has not been reported in a large population database (gnomAD), indicating this variant is rare. Although we suspect that this variant may be pathogenic, at this time, the clinical significance of this variant is uncertain due to the absence of conclusive functional and genetic evidence.

Ambry Genetics
Classification: Uncertain significance for Cardiovascular phenotype. Last evaluated: 2023-12-05. Review status: criteria provided, single submitter. Criteria: Ambry Variant Classification Scheme 2023. Collection method: clinical testing. Allele origin: germline.
Comment: The p.R3113Q variant (also known as c.9338G>A), located in coding exon 64 of the DMD gene, results from a G to A substitution at nucleotide position 9338. The arginine at codon 3113 is replaced by glutamine, an amino acid with highly similar properties. This variant has been detected in an individual from a dystrophinopathies cohort (Wang L et al. Front Genet, 2019 Feb;10:114). This amino acid position is highly conserved in available vertebrate species. In addition, the in silico prediction for this alteration is inconclusive. Since supporting evidence is limited at this time, the clinical significance of this alteration remains unclear.

Victorian Clinical Genetics Services, Murdoch Childrens Research Institute
Classification: Uncertain significance for Dilated cardiomyopathy 3B. Last evaluated: 2022-02-02. Review status: criteria provided, single submitter. Criteria: ACMG Guidelines, 2015. Collection method: clinical testing. Allele origin: germline. Inheritance: X-linked inheritance. Affected: yes.
Comment: Based on the classification scheme VCGS_Germline_v1.3.4, this variant is classified as VUS-3B. Following criteria are met: 0102 - Loss of function is a known mechanism of disease in this gene and is associated with Duchenne muscular dystrophy (MIM#310200), Becker muscular dystrophy (MIM#300376), and dilated cardiomyopathy 3B (MIM#302045). (I) 0109 - This gene is associated with both X-linked recessive and dominant disease. This gene is primarily associated with X-linked recessive disease relating to the muscular dystrophy phenotypes but is also reported to be associated with X-linked dominant DCM (OMIM, PMID: 26066469). (I) 0200 - Variant is predicted to result in a missense amino acid change from arginine to glutamine. (I) 0253 - This variant is hemizygous. (I) 0301 - Variant is absent from gnomAD (both v2 and v3). (SP) 0502 - Missense variant with conflicting in silico predictions and uninformative conservation. (I) 0600 - Variant is located in the annotated EF-hand 2 domain (UniProt). (I) 0705 - No comparable missense variants have previous evidence for pathogenicity. (I) 0809 - Previous evidence of pathogenicity for this variant is inconclusive. This variant has been reported in an individual with dystrophinopathies and has VUS entries in ClinVar and LOVD (PMID: 30833962). (I) 0905 - No published segregation evidence has been identified for this variant. (I) 1007 - No published functional evidence has been identified for this variant. (I) 1208 - Inheritance information for this variant is not currently available in this individual. (I) Legend: (SP) - Supporting pathogenic, (I) - Information, (SB) - Supporting benign

Baylor Genetics
Classification: Likely pathogenic for Becker muscular dystrophy. Last evaluated: 2021-12-14. Review status: criteria provided, single submitter. Criteria: ACMG Guidelines, 2015. Collection method: clinical testing. Allele origin: unknown.

Blueprint Genetics
Classification: Uncertain significance. Last evaluated: 2018-04-19. Review status: criteria provided, single submitter. Criteria: ACMG Guidelines, 2015. Collection method: clinical testing. Allele origin: germline.

Natera, Inc.
Classification: Uncertain significance for Becker muscular dystrophy; Cardiomyopathy; Duchenne muscular dystrophy; Dystrophin deficiency. Last evaluated: 2018-07-24. Review status: no assertion criteria provided. Collection method: clinical testing. Allele origin: germline. Not counted in ClinVar's aggregate classification.

Literature cited by the submitters: PubMed 30833962 (cited by Ambry Genetics and Victorian Clinical Genetics Services, Murdoch Childrens Research Institute); PubMed 26066469 (cited by Victorian Clinical Genetics Services, Murdoch Childrens Research Institute).

NM_004006.3(DMD):c.9338G>A (p.Arg3113Gln)

Gene: DMD (dystrophin; minus strand). Cytogenetic location: Xp21.2.
Variant type: single nucleotide variant.
Coding change: c.9338G>A on transcript NM_004006.3 (MANE Select); coding-DNA position 9338, G replaced by A.
Protein change: p.Arg3113Gln; replaces arginine 3113 with glutamine.
Molecular consequence: missense variant.
Genome position (GRCh38, 1-based): chrX:31,223,070, C>T on the plus strand (G>A on the coding strand, the complement: DMD is on the minus strand). VCF-style: chrX-31223070-C-T. GRCh37 (hg19) VCF-style: chrX-31241187-C-T.
Other names: c.9314G>A, p.Arg3105Gln (NM_000109.4); c.9326G>A, p.Arg3109Gln (NM_004009.3); c.8969G>A, p.Arg2990Gln (NM_004010.3); c.5315G>A, p.Arg1772Gln (NM_004011.4); c.5306G>A, p.Arg1769Gln (NM_004012.4); c.1958G>A, p.Arg653Gln (NM_004013.3, NM_004020.4, NM_004021.3 and 2 more transcripts); c.1151G>A, p.Arg384Gln (NM_004014.3); c.134G>A, p.Arg45Gln (NM_004015.3, NM_004016.3, NM_004017.3 and 2 more transcripts); short protein forms R3113Q, R1769Q, R2990Q, R3109Q, R45Q, R653Q, R1772Q, R3105Q.
Identifiers: ClinVar variation 455945 (VCV000455945.20), dbSNP rs1556320083, ClinGen allele CA412650856.